The following is an entry in ClinVar:

NM_001458.5(FLNC):c.2124C>A (p.Asp708Glu)

Genes: FLNC (filamin C; plus strand), LOC129999273 (ATAC-STARR-seq lymphoblastoid silent region 18616; plus strand). Cytogenetic location: 7q32.1.
Variant type: single nucleotide variant.
Coding change: c.2124C>A on transcript NM_001458.5 (MANE Select); coding-DNA position 2124, C replaced by A.
Protein change: p.Asp708Glu; replaces aspartic acid 708 with glutamic acid.
Molecular consequence: missense variant.
Genome position (GRCh38, 1-based): chr7:128,842,233, C>A. VCF-style: chr7-128842233-C-A. GRCh37 (hg19) VCF-style: chr7-128482287-C-A.
Other names: c.2124C>A, p.Asp708Glu (NM_001127487.2); c.2124C>A (NM_001458.4); short protein forms D708E.
Identifiers: ClinVar variation 1006796 (VCV001006796.13), dbSNP rs187481700, ClinGen allele CA4474607.

ClinVar aggregate classification (germline): Conflicting classifications of pathogenicity. Review status: criteria provided, conflicting classifications (1 of 4 stars). 5 submissions from 5 submitters: Uncertain significance (4); Likely benign (1). Last evaluated 2026-05-29.

Conditions:
Myofibrillar myopathy 5. Also called: Filaminopathy (type); FILAMINOPATHY, AUTOSOMAL DOMINANT. Identifiers: Orphanet 171445, MedGen C1836050, MONDO:0012289, OMIM 609524.
Hypertrophic cardiomyopathy 26. Also called: Cardiomyopathy, familial hypertrophic, 26. Identifiers: Orphanet 75249, MedGen C4310749, MONDO:0014883, OMIM 617047.
Distal myopathy with posterior leg and anterior hand involvement. Also called: WILLIAMS DISTAL MYOPATHY. Identifiers: Orphanet 63273, MedGen C3279722, MONDO:0013550, OMIM 614065.
Cardiomyopathy (CMYO). Also called: Cardiomyopathies. Identifiers: Orphanet 167848, MedGen C0878544, MONDO:0004994, HP:0001638. Inheritance: Various modes of inheritance.
FLNC-related disorder. Also called: FLNC-related disorders; FLNC-related condition.

gnomAD v4.1: 14 of 1,613,464 alleles (0.00087%); highest among the groups gnomAD compares: African/African-American, 0.0013%; no homozygotes.

Submissions (5):

GeneDx
Classification: Uncertain significance. Last evaluated: 2026-05-29. Review status: criteria provided, single submitter. Criteria: GeneDx Variant Classification Process June 2021. Collection method: clinical testing. Allele origin: germline.
Comment: Not observed at significant frequency in large population cohorts (gnomAD); In silico analysis supports that this missense variant has a deleterious effect on protein structure/function; Has not been previously published as pathogenic or benign to our knowledge

PreventionGenetics, part of Exact Sciences
Classification: Uncertain significance for FLNC-related condition. Last evaluated: 2025-12-30. Review status: criteria provided, single submitter. Criteria: ACMG Guidelines, 2015. Collection method: clinical testing. Allele origin: germline.
Comment: The FLNC c.2124C>A variant is predicted to result in the amino acid substitution p.Asp708Glu. To our knowledge, this variant has not been reported in the literature. This variant is reported in 0.0065% of alleles in individuals of African descent in gnomAD. At this time, the clinical significance of this variant is uncertain due to the absence of conclusive functional and genetic evidence.

Labcorp Genetics (formerly Invitae), Labcorp
Classification: Uncertain significance for Distal myopathy with posterior leg and anterior hand involvement; Myofibrillar myopathy 5; Hypertrophic cardiomyopathy 26. Last evaluated: 2025-06-09. Review status: criteria provided, single submitter. Criteria: Invitae Variant Classification Sherloc (09022015). Collection method: clinical testing. Allele origin: germline.
Comment: This sequence change replaces aspartic acid, which is acidic and polar, with glutamic acid, which is acidic and polar, at codon 708 of the FLNC protein (p.Asp708Glu). This variant is present in population databases (rs187481700, gnomAD 0.007%). This variant has not been reported in the literature in individuals affected with FLNC-related conditions. ClinVar contains an entry for this variant (Variation ID: 1006796). An algorithm developed to predict the effect of missense changes on protein structure and function (PolyPhen-2) suggests that this variant is likely to be disruptive. In summary, the available evidence is currently insufficient to determine the role of this variant in disease. Therefore, it has been classified as a Variant of Uncertain Significance.

Blueprint Genetics
Classification: Likely benign. Last evaluated: 2024-09-02. Review status: criteria provided, single submitter. Criteria: ACMG Guidelines, 2015. Collection method: clinical testing. Allele origin: germline.

CHEO Genetics Diagnostic Laboratory, Children's Hospital of Eastern Ontario
Classification: Uncertain significance for Cardiomyopathy. Last evaluated: 2023-05-16. Review status: criteria provided, single submitter. Criteria: ACMG Guidelines, 2015. Collection method: clinical testing. Allele origin: germline.